The following is an entry in ClinVar:

ClinVar aggregate classification (germline): Uncertain significance. Review status: criteria provided, multiple submitters, no conflicts (2 of 4 stars). 2 submissions from 2 submitters: Uncertain significance (2). Last evaluated 2025-07-11.

Conditions:
Familial melanoma. Also called: Hereditary melanoma; Hereditary cutaneous melanoma. Identifiers: Orphanet 618, MedGen C1512419, MONDO:0018961.

gnomAD v4.1: 1 of 1,613,826 alleles (0.000062%); highest among the groups gnomAD compares: Non-Finnish European, 0.000085%; no homozygotes.

Submissions (2):

Women's Health and Genetics/Laboratory Corporation of America, LabCorp
Classification: Uncertain significance. Last evaluated: 2025-07-11. Review status: criteria provided, single submitter. Criteria: LabCorp Variant Classification Summary - May 2015. Collection method: clinical testing. Allele origin: germline.
Comment: Variant summary: CDKN2A c.133G>A (p.Gly45Ser) results in a non-conservative amino acid change in the encoded protein sequence. Algorithms developed to predict the effect of missense changes on protein structure and function all suggest that this variant is likely to be disruptive. The variant was absent in 247310 control chromosomes. The available data on variant occurrences in the general population are insufficient to allow any conclusion about variant significance. To our knowledge, no occurrence of c.133G>A in individuals affected with Cutaneous Malignant Melanoma and no experimental evidence demonstrating its impact on protein function have been reported. ClinVar contains an entry for this variant (Variation ID: 463482). Based on the evidence outlined above, the variant was classified as uncertain significance.

Labcorp Genetics (formerly Invitae), Labcorp
Classification: Uncertain significance for Familial melanoma. Last evaluated: 2022-08-06. Review status: criteria provided, single submitter. Criteria: Invitae Variant Classification Sherloc (09022015). Collection method: clinical testing. Allele origin: germline.
Comment: In summary, the available evidence is currently insufficient to determine the role of this variant in disease. Therefore, it has been classified as a Variant of Uncertain Significance. Algorithms developed to predict the effect of missense changes on protein structure and function are either unavailable or do not agree on the potential impact of this missense change (SIFT: "Deleterious"; PolyPhen-2: "Probably Damaging"; Align-GVGD: "Class C0"). ClinVar contains an entry for this variant (Variation ID: 463482). This variant has not been reported in the literature in individuals affected with CDKN2A (p16INK4a)-related conditions. This variant is not present in population databases (gnomAD no frequency). This sequence change replaces glycine, which is neutral and non-polar, with serine, which is neutral and polar, at codon 45 of the CDKN2A (p16INK4a) protein (p.Gly45Ser).

NM_000077.5(CDKN2A):c.133G>A (p.Gly45Ser)

Gene: CDKN2A (cyclin dependent kinase inhibitor 2A; minus strand). Cytogenetic location: 9p21.3.
Variant type: single nucleotide variant.
Coding change: c.133G>A on transcript NM_000077.5; coding-DNA position 133, G replaced by A.
Protein change: p.Gly45Ser; replaces glycine 45 with serine.
Molecular consequence: missense variant (on NM_000077.6). On other transcripts: intron variant (2).
Genome position (GRCh38, 1-based): chr9:21,974,695, C>T on the plus strand (G>A on the coding strand, the complement: CDKN2A is on the minus strand). VCF-style: chr9-21974695-C-T. GRCh37 (hg19) VCF-style: chr9-21974694-C-T.
Other names: c.133G>A, p.Gly45Ser (NM_000077.6, NM_001195132.2, NM_058197.5); c.-3-3487G>A (NM_001363763.2); c.194-3487G>A (NM_058195.4); short protein forms G45S.
Identifiers: ClinVar variation 463482 (VCV000463482.9), dbSNP rs1328708469, ClinGen allele CA373086503.